The following is an entry in ClinVar:

ClinVar aggregate classification (germline): Uncertain significance (1 of 4 stars; one submission).

gnomAD v4.1: 15 of 1,611,412 alleles (0.00093%); highest among the groups gnomAD compares: Middle Eastern, 0.022%; no homozygotes.

Submission:

Labcorp Genetics (formerly Invitae), Labcorp
Classification: Uncertain significance. Last evaluated: 2023-08-07. Review status: criteria provided, single submitter. Criteria: Invitae Variant Classification Sherloc (09022015). Collection method: clinical testing. Allele origin: germline.
Comment: This sequence change replaces serine, which is neutral and polar, with asparagine, which is neutral and polar, at codon 581 of the BRD4 protein (p.Ser581Asn). This variant is present in population databases (rs754261510, gnomAD 0.007%). This variant has not been reported in the literature in individuals affected with BRD4-related conditions. Algorithms developed to predict the effect of missense changes on protein structure and function output the following: SIFT: "Not Available"; PolyPhen-2: "Benign"; Align-GVGD: "Not Available". The asparagine amino acid residue is found in multiple mammalian species, which suggests that this missense change does not adversely affect protein function. In summary, the available evidence is currently insufficient to determine the role of this variant in disease. Therefore, it has been classified as a Variant of Uncertain Significance.

NM_001379291.1(BRD4):c.1742G>A (p.Ser581Asn)

Gene: BRD4 (bromodomain containing 4; minus strand). Cytogenetic location: 19p13.12.
Variant type: single nucleotide variant.
Coding change: c.1742G>A on transcript NM_001379291.1 (MANE Select); coding-DNA position 1742, G replaced by A.
Protein change: p.Ser581Asn; replaces serine 581 with asparagine.
Molecular consequence: missense variant.
Genome position (GRCh38, 1-based): chr19:15,256,073, C>T on the plus strand (G>A on the coding strand, the complement: BRD4 is on the minus strand). VCF-style: chr19-15256073-C-T. GRCh37 (hg19) VCF-style: chr19-15366884-C-T.
Other names: c.1742G>A, p.Ser581Asn (NM_014299.3, NM_058243.3, NM_001330384.2 and 1 more transcripts); short protein forms S581N.
Identifiers: ClinVar variation 3674479 (VCV003674479.2).
Genomic context (GRCh38, chr19:15,256,073, plus strand): 5'-CAAGCCCTGGAAGGAGGGTCCCCACCCAGGACAAATTCAGGGGACACAGACCTCACATTG[C>T]TGTTGCTGCTATTATTTTTCTTCGTCTTTTTAGGAGGAGGTTCCTTGGCTTTGCTTTTTT-3'
Protein context (NP_001366220.1, residues 571-591): KKTKKNNSSN[Ser581Asn]NVSKKEPAPM